The following is an entry in ClinVar:

NM_000426.4(LAMA2):c.908A>C (p.Asn303Thr)

Gene: LAMA2 (laminin subunit alpha 2; plus strand). Cytogenetic location: 6q22.33.
Variant type: single nucleotide variant.
Coding change: c.908A>C on transcript NM_000426.4 (MANE Select); coding-DNA position 908, A replaced by C.
Protein change: p.Asn303Thr; replaces asparagine 303 with threonine.
Molecular consequence: missense variant.
Genome position (GRCh38, 1-based): chr6:129,147,047, A>C. VCF-style: chr6-129147047-A-C. GRCh37 (hg19) VCF-style: chr6-129468192-A-C.
Other names: c.908A>C, p.Asn303Thr (NM_001079823.2); short protein forms N303T.
Identifiers: ClinVar variation 1304403 (VCV001304403.4), dbSNP rs753228224, ClinGen allele CA3992461.

ClinVar aggregate classification (germline): Uncertain significance. Review status: criteria provided, multiple submitters, no conflicts (2 of 4 stars). 2 submissions from 2 submitters: Uncertain significance (2). Last evaluated 2023-03-06.

Allele frequency attached by ClinVar (database versions not stated): ExAC 0.00001; gnomAD exomes 0.00002 and 0.00003; TOPMed 0.00002.
gnomAD v4.1: 46 of 1,586,728 alleles (0.0029%); highest among the groups gnomAD compares: Non-Finnish European, 0.0038%; no homozygotes.

Submissions (2):

Revvity Omics, Revvity
Classification: Uncertain significance. Last evaluated: 2023-03-06. Review status: criteria provided, single submitter. Criteria: ACMG Guidelines, 2015. Collection method: clinical testing. Allele origin: germline.

GeneDx
Classification: Uncertain significance. Last evaluated: 2019-09-17. Review status: criteria provided, single submitter. Criteria: GeneDx Variant Classification Process June 2021. Collection method: clinical testing. Allele origin: germline. Affected: yes.
Comment: Not observed at a significant frequency in large population cohorts (Lek et al., 2016); In silico analysis, which includes protein predictors and evolutionary conservation, supports that this variant does not alter protein structure/function; Has not been previously published as pathogenic or benign to our knowledge; In-silico analysis, which includes splice predictors and evolutionary conservation, is inconclusive as to whether the variant alters gene splicing. In the absence of RNA/functional studies, the actual effect of this sequence change is unknown.